The following is an entry in ClinVar:

ClinVar aggregate classification (germline): Benign/Likely benign. Review status: criteria provided, multiple submitters, no conflicts (2 of 4 stars). 3 submissions from 3 submitters: Benign (1); Likely benign (1). 1 of the submissions does not count toward it. Last evaluated 2022-09-04.

Conditions:
Pancreatic cancer, susceptibility to, 1. Identifiers: Orphanet 1333, MedGen C1847351, MONDO:0011739, OMIM 606856.
PALLD-related disorder. Also called: PALLD-related condition.

Allele frequency attached by ClinVar (database versions not stated): ESP Exome Variant Server 0.00008; gnomAD 0.00036; 1000 Genomes Project 0.00040; gnomAD exomes 0.00040 and 0.00209; 1000 Genomes Project 30x 0.00047; TOPMed 0.00079; ExAC 0.00159.
gnomAD v4.1: 634 of 1,613,196 alleles (0.039%); highest among the groups gnomAD compares: Admixed American, 1%; 5 homozygotes.

Submissions (3):

Ambry Genetics
Classification: Likely benign. Last evaluated: 2022-09-04. Review status: criteria provided, single submitter. Criteria: Ambry Variant Classification Scheme 2023. Collection method: clinical testing. Allele origin: germline.

Illumina Laboratory Services, Illumina
Classification: Benign for Pancreatic cancer, susceptibility to, 1. Last evaluated: 2018-01-13. Review status: criteria provided, single submitter. Criteria: ICSL Variant Classification Criteria 13 December 2019. Collection method: clinical testing. Allele origin: germline.
Comment: This variant was observed in the ICSL laboratory as part of a predisposition screen in an ostensibly healthy population. It had not been previously curated by ICSL or reported in the Human Gene Mutation Database (HGMD: prior to June 1st, 2018), and was therefore a candidate for classification through an automated scoring system. Utilizing variant allele frequency, disease prevalence and penetrance estimates, and inheritance mode, an automated score was calculated to assess if this variant is too frequent to cause the disease. Based on the score and internal cut-off values, a variant classified as benign is not then subjected to further curation. The score for this variant resulted in a classification of benign for this disease.

PreventionGenetics, part of Exact Sciences
Classification: Benign for PALLD-related condition. Last evaluated: 2020-04-16. Review status: no assertion criteria provided. Collection method: clinical testing. Allele origin: germline. Not counted in ClinVar's aggregate classification.
Comment: This variant is classified as benign based on ACMG/AMP sequence variant interpretation guidelines (Richards et al. 2015 PMID: 25741868, with internal and published modifications).

NM_001166108.2(PALLD):c.8G>T (p.Gly3Val)

Gene: PALLD (palladin, cytoskeletal associated protein; plus strand). Cytogenetic location: 4q32.3.
Variant type: single nucleotide variant.
Coding change: c.8G>T on transcript NM_001166108.2 (MANE Select); coding-DNA position 8, G replaced by T.
Protein change: p.Gly3Val; replaces glycine 3 with valine.
Molecular consequence: missense variant.
Genome position (GRCh38, 1-based): chr4:168,511,512, G>T. VCF-style: chr4-168511512-G-T. GRCh37 (hg19) VCF-style: chr4-169432663-G-T.
Other names: c.8G>T, p.Gly3Val (NM_016081.4); short protein forms G3V.
Identifiers: ClinVar variation 902926 (VCV000902926.8), dbSNP rs189385916, ClinGen allele CA3135281.